The following is an entry in ClinVar:

NM_004370.6(COL12A1):c.129G>T (p.Met43Ile)

Gene: COL12A1 (collagen type XII alpha 1 chain; minus strand). Cytogenetic location: 6q13.
Variant type: single nucleotide variant.
Coding change: c.129G>T on transcript NM_004370.6 (MANE Select); coding-DNA position 129, G replaced by T.
Protein change: p.Met43Ile; replaces methionine 43 with isoleucine.
Molecular consequence: missense variant. On other transcripts: intron variant (2).
Genome position (GRCh38, 1-based): chr6:75,194,892, C>A on the plus strand (G>T on the coding strand, the complement: COL12A1 is on the minus strand). VCF-style: chr6-75194892-C-A. GRCh37 (hg19) VCF-style: chr6-75904608-C-A.
Other names: c.129G>T, p.Met43Ile (NM_001424113.1, NM_001424114.1, NM_001424115.1); c.73+7828G>T (NM_001424116.1, NM_080645.3); short protein forms M43I.
Identifiers: ClinVar variation 4782924 (VCV004782924.1).

ClinVar aggregate classification (germline): Uncertain significance (1 of 4 stars; one submission).

Conditions:
Ullrich congenital muscular dystrophy 2 (UCMD2). Identifiers: Orphanet 75840, MedGen C4225314, MONDO:0014654, OMIM 616470.
Bethlem myopathy 2 (BTHLM2). Identifiers: Orphanet 536516, Orphanet 610, MedGen C4225313, MONDO:0034022, OMIM 616471.

Submission:

Labcorp Genetics (formerly Invitae), Labcorp
Classification: Uncertain significance for Bethlem myopathy 2; Ullrich congenital muscular dystrophy 2. Last evaluated: 2025-05-27. Review status: criteria provided, single submitter. Criteria: Invitae Variant Classification Sherloc (09022015). Collection method: clinical testing. Allele origin: germline.
Comment: This sequence change replaces methionine, which is neutral and non-polar, with isoleucine, which is neutral and non-polar, at codon 43 of the COL12A1 protein (p.Met43Ile). This variant is not present in population databases (gnomAD no frequency). This variant has not been reported in the literature in individuals affected with COL12A1-related conditions. Invitae Evidence Modeling of protein sequence and biophysical properties (such as structural, functional, and spatial information, amino acid conservation, physicochemical variation, residue mobility, and thermodynamic stability) has been performed for this missense variant. However, the output from this modeling did not meet the statistical confidence thresholds required to predict the impact of this variant on COL12A1 protein function. In summary, the available evidence is currently insufficient to determine the role of this variant in disease. Therefore, it has been classified as a Variant of Uncertain Significance.